The following is an entry in ClinVar:

NM_020166.5(MCCC1):c.827_828del (p.Asp275_Cys276insTer)

Gene: MCCC1 (methylcrotonyl-CoA carboxylase subunit 1; minus strand). Cytogenetic location: 3q27.1.
Variant type: Deletion.
Coding change: c.827_828del on transcript NM_020166.5 (MANE Select); coding-DNA positions 827 to 828, 2 bases deleted (GT; older notation c.827_828delGT).
Protein change: p.Asp275_Cys276insTer.
Molecular consequence: nonsense. On other transcripts: non-coding transcript variant (2).
Genome position (GRCh38, 1-based): chr3:183,057,356-183,057,357, AC deleted on the plus strand (GT on the coding strand, the reverse complement: MCCC1 is on the minus strand); deleting any 2 consecutive bases within chr3:183,057,356-183,057,358 gives the same sequence; the c. name uses the placement nearest the transcript's 3' end. VCF-style (leftmost placement, unchanged base first): chr3-183057355-TAC-T. GRCh37 (hg19) VCF-style: chr3-182775143-TAC-T.
Other names: c.476_477del, p.Asp158_Cys159insTer (NM_001293273.2); c.500_501del, p.Asp166_Cys167insTer (NM_001363880.1).
Identifiers: ClinVar variation 2024095 (VCV002024095.4), dbSNP rs2530273568, ClinGen allele CA2580069120.

ClinVar aggregate classification (germline): Pathogenic (1 of 4 stars; one submission).

Conditions:
3-methylcrotonyl-CoA carboxylase 1 deficiency (MCC1D). Also called: MCCD TYPE 1; METHYLCROTONYLGLYCINURIA TYPE I; MCC 1 deficiency; 3 Alpha methylcrotonylglycinuria 1. Identifiers: Orphanet 6, MedGen CN028786, MONDO:0008861, OMIM 210200.

Submission:

Labcorp Genetics (formerly Invitae), Labcorp
Classification: Pathogenic for 3-methylcrotonyl-CoA carboxylase 1 deficiency. Last evaluated: 2022-08-19. Review status: criteria provided, single submitter. Criteria: Invitae Variant Classification Sherloc (09022015). Collection method: clinical testing. Allele origin: germline.
Comment: This sequence change creates a premature translational stop signal (p.Cys276*) in the MCCC1 gene. It is expected to result in an absent or disrupted protein product. Loss-of-function variants in MCCC1 are known to be pathogenic (PMID: 11181649, 15359379, 22642865). This variant is not present in population databases (gnomAD no frequency). This variant has not been reported in the literature in individuals affected with MCCC1-related conditions. For these reasons, this variant has been classified as Pathogenic.

Literature cited by the submitters: PubMed 11181649; PubMed 15359379; PubMed 22642865.